The following is an entry in ClinVar:

NM_033453.4(ITPA):c.189+1G>A

Gene: ITPA (inosine triphosphatase; plus strand). Cytogenetic location: 20p13.
Variant type: single nucleotide variant.
Coding change: c.189+1G>A on transcript NM_033453.4 (MANE Select); the canonical splice donor site of the intron after coding-DNA position 189, G replaced by A.
Molecular consequence: splice donor variant. On other transcripts: intron variant (1).
Genome position (GRCh38, 1-based): chr20:3,213,384, G>A. VCF-style: chr20-3213384-G-A. GRCh37 (hg19) VCF-style: chr20-3194030-G-A.
Other names: c.315+1G>A (NM_001424409.1); c.-149+1G>A (NM_001324237.2, NM_001324238.2, NM_001324236.2 and 1 more transcripts); c.189+1G>A (NM_001324240.2, NM_001424408.1); c.67-601G>A (NM_001267623.2); c.138+1G>A (NM_181493.4).
Identifiers: ClinVar variation 4292748 (VCV004292748.1).
Genomic context (GRCh38, chr20:3,213,384, plus strand): 5'-GAGTACCAGGGGGAGCCGGATGAGATTTCCATACAGAAATGTCAGGAGGCAGTTCGCCAG[G>A]TGCTTGCCCTGCCCTTGTCCCACACTTGCTCTTCTTGTCCAGGTAGCTTCCAGGGCCTGC-3'

ClinVar aggregate classification (germline): Pathogenic (1 of 4 stars; one submission).

Conditions:
Developmental and epileptic encephalopathy, 35 (DEE35). Also called: Epileptic encephalopathy, early infantile, 35. Identifiers: Orphanet 457375, MedGen C4225256, MONDO:0014719, OMIM 616647.

gnomAD v4.1: 1 of 1,613,848 alleles (0.000062%); highest among the groups gnomAD compares: South Asian, 0.0011%; no homozygotes.

Submission:

3billion
Classification: Pathogenic for Developmental and epileptic encephalopathy, 35. Last evaluated: 2025-02-17. Review status: criteria provided, single submitter. Criteria: ACMG Guidelines, 2015. Collection method: clinical testing. Allele origin: germline. Affected: yes.
Comment: The variant is observed at an extremely low frequency in the gnomAD v4.1.0 dataset (total allele frequency: <0.001%). Predicted Consequence/Location: Canonical splice site: predicted to alter splicing and result in a loss or disruption of normal protein function. Multiple pathogenic loss-of-function variants are reported downstream of the variant. In silico tools predict the variant to alter splicing and produce an abnormal transcript [SpliceAI: 0.70 (spliceogenicity >=0.2, non-spliceogenicity <0.1)]. Therefore, this variant is classified as Pathogenic according to the recommendation of ACMG/AMP guideline.